The following is an entry in ClinVar:

NM_012431.3(SEMA3E):c.11C>T (p.Ala4Val)

Gene: SEMA3E (semaphorin 3E; minus strand). Cytogenetic location: 7q21.11.
Variant type: single nucleotide variant.
Coding change: c.11C>T on transcript NM_012431.3 (MANE Select); coding-DNA position 11, C replaced by T.
Protein change: p.Ala4Val; replaces alanine 4 with valine.
Molecular consequence: missense variant.
Genome position (GRCh38, 1-based): chr7:83,648,532, G>A on the plus strand (C>T on the coding strand, the complement: SEMA3E is on the minus strand). VCF-style: chr7-83648532-G-A. GRCh37 (hg19) VCF-style: chr7-83277848-G-A.
Other names: short protein forms A4V.
Identifiers: ClinVar variation 2910929 (VCV002910929.3), dbSNP rs751165516, ClinGen allele CA4322497.

ClinVar aggregate classification (germline): Uncertain significance (1 of 4 stars; one submission).

Conditions:
CHARGE syndrome (CHARGE). Also called: Hittner Hirsch Kreh syndrome; CHARGE ASSOCIATION--COLOBOMA, HEART ANOMALY, CHOANAL ATRESIA, RETARDATION, GENITAL AND EAR ANOMALIES; Coloboma, heart anomaly, choanal atresia, retardation, genital and ear anomalies; CHARGE association; Hall-Hittner syndrome. Identifiers: Orphanet 138, MedGen C0265354, MONDO:0008965.

Allele frequency attached by ClinVar (database versions not stated): gnomAD 0.00001; gnomAD exomes 0.00001; ExAC 0.00003.
gnomAD v4.1: 12 of 1,612,988 alleles (0.00074%); highest among the groups gnomAD compares: South Asian, 0.0066%; no homozygotes.

Submission:

Labcorp Genetics (formerly Invitae), Labcorp
Classification: Uncertain significance for CHARGE syndrome. Last evaluated: 2023-02-27. Review status: criteria provided, single submitter. Criteria: Invitae Variant Classification Sherloc (09022015). Collection method: clinical testing. Allele origin: germline.
Comment: In summary, the available evidence is currently insufficient to determine the role of this variant in disease. Therefore, it has been classified as a Variant of Uncertain Significance. Algorithms developed to predict the effect of missense changes on protein structure and function output the following: SIFT: "Not Available"; PolyPhen-2: "Benign"; Align-GVGD: "Not Available". The valine amino acid residue is found in multiple mammalian species, which suggests that this missense change does not adversely affect protein function. This variant has not been reported in the literature in individuals affected with SEMA3E-related conditions. This variant is present in population databases (rs751165516, gnomAD 0.01%). This sequence change replaces alanine, which is neutral and non-polar, with valine, which is neutral and non-polar, at codon 4 of the SEMA3E protein (p.Ala4Val).